The following is an entry in ClinVar:

NM_020366.4(RPGRIP1):c.2592T>C (p.Tyr864=)

Gene: RPGRIP1 (RPGR interacting protein 1; plus strand). Cytogenetic location: 14q11.2.
Variant type: single nucleotide variant.
Coding change: c.2592T>C on transcript NM_020366.4 (MANE Select); coding-DNA position 2592, T replaced by C.
Protein change: p.Tyr864=; no amino-acid change (tyrosine 864 retained).
Molecular consequence: synonymous variant. On other transcripts: intron variant (4).
Genome position (GRCh38, 1-based): chr14:21,326,055, T>C. VCF-style: chr14-21326055-T-C. GRCh37 (hg19) VCF-style: chr14-21794214-T-C.
Other names: c.1518T>C, p.Tyr506= (NM_001377948.1); c.796+1330T>C (NM_001377949.1); c.689-1568T>C (NM_001377523.1, NM_001377950.1); c.191-1568T>C (NM_001377951.1).
Identifiers: ClinVar variation 143155 (VCV000143155.26), dbSNP rs201639860, ClinGen allele CA232855.

ClinVar aggregate classification (germline): Benign/Likely benign. Review status: criteria provided, multiple submitters, no conflicts (2 of 4 stars). 4 submissions from 4 submitters: Benign (1); Likely benign (2). 1 of the submissions does not count toward it. Last evaluated 2026-01-22.

Conditions:
Leber congenital amaurosis 6 (LCA6). Identifiers: Orphanet 65, MedGen C1854260, MONDO:0013446, OMIM 613826.
Cone-rod dystrophy 13 (CORD13). Identifiers: Orphanet 1872, MedGen C2750720, MONDO:0011987, OMIM 608194.

Allele frequency attached by ClinVar (database versions not stated): gnomAD 0.00004 and 0.00008; gnomAD exomes 0.00009 and 0.00021; ExAC 0.00024; TOPMed 0.00029; 1000 Genomes Project 30x 0.00031; 1000 Genomes Project 0.00040.
gnomAD v4.1: 136 of 1,613,992 alleles (0.0084%); highest among the groups gnomAD compares: East Asian, 0.29%; no homozygotes.

Submissions (4):

Labcorp Genetics (formerly Invitae), Labcorp
Classification: Benign for Leber congenital amaurosis 6; Cone-rod dystrophy 13. Last evaluated: 2026-01-22. Review status: criteria provided, single submitter. Criteria: Invitae Variant Classification Sherloc (09022015). Collection method: clinical testing. Allele origin: germline.

CeGaT Center for Human Genetics Tuebingen
Classification: Likely benign. Last evaluated: 2024-10-01. Review status: criteria provided, single submitter. Criteria: CeGaT Center For Human Genetics Tuebingen Variant Classification Criteria Version 2. Collection method: clinical testing. Allele origin: germline. Affected: yes. Observed: 1 variant allele.
Comment: RPGRIP1: BP4, BP7

Blueprint Genetics
Classification: Likely benign. Last evaluated: 2024-01-10. Review status: criteria provided, single submitter. Criteria: ACMG Guidelines, 2015. Collection method: clinical testing. Allele origin: germline.

Department of Ophthalmology and Visual Sciences Kyoto University
Classification: Likely benign. Review status: no assertion criteria provided. Collection method: not provided. Allele origin: unknown. Not counted in ClinVar's aggregate classification.
ClinVar note: Converted during submission from probable-non-pathogenic to Likely benign.